The following is an entry in ClinVar:

NM_001034850.3(RETREG1):c.1450AAG[1] (p.Lys485del)

Gene: RETREG1 (reticulophagy regulator 1; minus strand). Cytogenetic location: 5p15.1.
Variant type: Microsatellite.
Coding change: c.1450AAG[1] on transcript NM_001034850.3 (MANE Select); one copy of the 3-base unit AAG starting at c.1450; the reference has two copies in a row; one copy, 3 bases deleted.
Protein change: p.Lys485del; deletes lysine 485.
Molecular consequence: inframe deletion.
Genome position (GRCh38, 1-based): chr5:16,474,780-16,474,782, CTT deleted on the plus strand (AAG on the coding strand, the reverse complement: RETREG1 is on the minus strand); deleting any 3 consecutive bases within chr5:16,474,780-16,474,785 gives the same sequence; the position shown is the placement nearest the transcript's 3' end. VCF-style (leftmost placement, unchanged base first): chr5-16474779-ACTT-A. GRCh37 (hg19) VCF-style: chr5-16474888-ACTT-A.
Other names: c.1453_1455delAAG (NM_001034850.2); c.1027AAG[1], p.Lys344del (NM_019000.5); short protein forms K485del, K344del.
Identifiers: ClinVar variation 439686 (VCV000439686.16), dbSNP rs758081460, ClinGen allele CA3210207.
Genomic context (GRCh38, chr5:16,474,779, plus strand): 5'-CTGTTGCAAGCTGATTCCTAGATTAATGGCCTCCCAGCAGATTTGAAAGGAAACCTGAAG[ACTT>A]CTTATTTTGCTGTGCTTCTGCTTCCTGGTCTTGTGTAAGTCCCAATTCACTCTCAATTTG-3'

ClinVar aggregate classification (germline): Uncertain significance. Review status: criteria provided, multiple submitters, no conflicts (2 of 4 stars). 3 submissions from 3 submitters: Uncertain significance (3). Last evaluated 2021-11-26.

Conditions:
Inborn genetic diseases. Identifiers: MedGen C0950123, MeSH D030342.

Submissions (3):

Labcorp Genetics (formerly Invitae), Labcorp
Classification: Uncertain significance. Last evaluated: 2021-11-26. Review status: criteria provided, single submitter. Criteria: Invitae Variant Classification Sherloc (09022015). Collection method: clinical testing. Allele origin: germline.
Comment: This variant, c.1453_1455del, results in the deletion of 1 amino acid(s) of the RETREG1 protein (p.Lys485del), but otherwise preserves the integrity of the reading frame. This variant is present in population databases (rs758081460, gnomAD 0.05%). This variant has not been reported in the literature in individuals affected with RETREG1-related conditions. ClinVar contains an entry for this variant (Variation ID: 439686). Experimental studies and prediction algorithms are not available or were not evaluated, and the functional significance of this variant is currently unknown. In summary, the available evidence is currently insufficient to determine the role of this variant in disease. Therefore, it has been classified as a Variant of Uncertain Significance.

Ambry Genetics
Classification: Uncertain significance for Inborn genetic diseases. Last evaluated: 2020-03-24. Review status: criteria provided, single submitter. Criteria: Ambry Variant Classification Scheme 2023. Collection method: clinical testing. Allele origin: germline.
Comment: The c.1453_1455delAAG variant (also known as p.K485del) is located in coding exon 9 of the FAM134B gene. This variant results from an in-frame deletion of 3 nucleotides at nucleotide positions 1453 to 1455. This results in an in-frame deletion of a lysine residue at codon 485. This amino acid position is well conserved in available vertebrate species. Since supporting evidence is limited at this time, the clinical significance of this alteration remains unclear.

ARUP Laboratories, Molecular Genetics and Genomics, ARUP Laboratories
Classification: Uncertain significance. Last evaluated: 2016-11-10. Review status: criteria provided, single submitter. Criteria: ARUP Molecular Germline Variant Investigation Process. Collection method: clinical testing. Allele origin: germline.